The following is an entry in ClinVar:

NM_004329.3(BMPR1A):c.484G>C (p.Val162Leu)

Gene: BMPR1A (bone morphogenetic protein receptor type 1A; plus strand). Cytogenetic location: 10q23.2.
Variant type: single nucleotide variant.
Coding change: c.484G>C on transcript NM_004329.3 (MANE Select); coding-DNA position 484, G replaced by C.
Protein change: p.Val162Leu; replaces valine 162 with leucine.
Molecular consequence: missense variant.
Genome position (GRCh38, 1-based): chr10:86,900,080, G>C. VCF-style: chr10-86900080-G-C. GRCh37 (hg19) VCF-style: chr10-88659837-G-C.
Other names: c.484G>C (NM_004329.2); short protein forms V162L.
Identifiers: ClinVar variation 1011283 (VCV001011283.10), dbSNP rs1843287316, ClinGen allele CA377450437.

ClinVar aggregate classification (germline): Uncertain significance. Review status: criteria provided, multiple submitters, no conflicts (2 of 4 stars). 2 submissions from 2 submitters: Uncertain significance (2). Last evaluated 2025-05-31.

Conditions:
Hereditary cancer-predisposing syndrome. Also called: Tumor predisposition; Hereditary Cancer Syndrome; Neoplastic Syndromes, Hereditary; Hereditary neoplastic syndrome. Identifiers: Orphanet 140162, MedGen C0027672, MeSH D009386, MONDO:0015356.
Juvenile polyposis syndrome (JPS). Identifiers: Orphanet 2929, MedGen C0345893, MONDO:0017380, OMIM 174900.

Allele frequency attached by ClinVar (database versions not stated): gnomAD exomes below 0.00001; gnomAD 0.00001.
gnomAD v4.1: 2 of 1,613,940 alleles (0.00012%); highest among the groups gnomAD compares: Non-Finnish European, 0.00017%; no homozygotes.

Submissions (2):

Ambry Genetics
Classification: Uncertain significance for Hereditary cancer-predisposing syndrome. Last evaluated: 2025-05-31. Review status: criteria provided, single submitter. Criteria: Ambry Variant Classification Scheme 2023. Collection method: clinical testing. Allele origin: germline.
Comment: The p.V162L variant (also known as c.484G>C), located in coding exon 5 of the BMPR1A gene, results from a G to C substitution at nucleotide position 484. The valine at codon 162 is replaced by leucine, an amino acid with highly similar properties. This amino acid position is conserved. In addition, this alteration is predicted to be tolerated by in silico analysis. Based on the available evidence, the clinical significance of this variant remains unclear.

Labcorp Genetics (formerly Invitae), Labcorp
Classification: Uncertain significance for Juvenile polyposis syndrome. Last evaluated: 2020-05-31. Review status: criteria provided, single submitter. Criteria: Invitae Variant Classification Sherloc (09022015). Collection method: clinical testing. Allele origin: germline.
Comment: In summary, the available evidence is currently insufficient to determine the role of this variant in disease. Therefore, it has been classified as a Variant of Uncertain Significance. Algorithms developed to predict the effect of missense changes on protein structure and function (SIFT, PolyPhen-2, Align-GVGD) all suggest that this variant is likely to be tolerated, but these predictions have not been confirmed by published functional studies and their clinical significance is uncertain. This variant has not been reported in the literature in individuals with BMPR1A-related conditions. This variant is not present in population databases (ExAC no frequency). This sequence change replaces valine with leucine at codon 162 of the BMPR1A protein (p.Val162Leu). The valine residue is highly conserved and there is a small physicochemical difference between valine and leucine.